The following is an entry in ClinVar:

ClinVar aggregate classification (germline): Uncertain significance (1 of 4 stars; one submission).

Allele frequency attached by ClinVar (database versions not stated): gnomAD exomes 0.00001; TOPMed 0.00001.

Submission:

Labcorp Genetics (formerly Invitae), Labcorp
Classification: Uncertain significance. Last evaluated: 2023-12-13. Review status: criteria provided, single submitter. Criteria: Invitae Variant Classification Sherloc (09022015). Collection method: clinical testing. Allele origin: germline.
Comment: This sequence change affects a donor splice site in intron 6 of the DARS gene. It is expected to disrupt RNA splicing. Variants that disrupt the donor or acceptor splice site typically lead to a loss of protein function (PMID: 16199547), however the current clinical and genetic evidence is not sufficient to establish whether loss-of-function variants in DARS cause disease. This variant is present in population databases (no rsID available, gnomAD 0.0009%). This variant has not been reported in the literature in individuals affected with DARS-related conditions. Algorithms developed to predict the effect of sequence changes on RNA splicing suggest that this variant may disrupt the consensus splice site. In summary, the available evidence is currently insufficient to determine the role of this variant in disease. Therefore, it has been classified as a Variant of Uncertain Significance.

Literature cited by the submitters: PubMed 16199547.

NM_001349.4(DARS1):c.504+2T>G

Gene: DARS1 (aspartyl-tRNA synthetase 1; minus strand). Cytogenetic location: 2q21.3.
Variant type: single nucleotide variant.
Coding change: c.504+2T>G on transcript NM_001349.4 (MANE Select); the canonical splice donor site of the intron after coding-DNA position 504, T replaced by G.
Molecular consequence: splice donor variant.
Genome position (GRCh38, 1-based): chr2:135,933,908, A>C on the plus strand (T>G on the coding strand, the complement: DARS1 is on the minus strand). VCF-style: chr2-135933908-A-C. GRCh37 (hg19) VCF-style: chr2-136691478-A-C.
Other names: c.204+2T>G (NM_001293312.1).
Identifiers: ClinVar variation 2869989 (VCV002869989.3), dbSNP rs1446892867, ClinGen allele CA348653059.